The following is an entry in ClinVar:

NM_000393.5(COL5A2):c.1257+12G>A

Gene: COL5A2 (collagen type V alpha 2 chain; minus strand). Cytogenetic location: 2q32.2.
Variant type: single nucleotide variant.
Coding change: c.1257+12G>A on transcript NM_000393.5 (MANE Select); 12 bases into the intron after coding-DNA position 1257, G replaced by A.
Molecular consequence: intron variant.
Genome position (GRCh38, 1-based): chr2:189,068,774, C>T on the plus strand (G>A on the coding strand, the complement: COL5A2 is on the minus strand). VCF-style: chr2-189068774-C-T. GRCh37 (hg19) VCF-style: chr2-189933500-C-T.
Identifiers: ClinVar variation 514218 (VCV000514218.6), dbSNP rs759316090, ClinGen allele CA2022782.

ClinVar aggregate classification (germline): Likely benign. Review status: criteria provided, multiple submitters, no conflicts (2 of 4 stars). 2 submissions from 2 submitters: Likely benign (2). Last evaluated 2025-11-08.

Conditions:
Ehlers-Danlos syndrome, classic type, 1 (EDSCL1). Also called: Ehlers-Danlos Syndrome, Classic Type, COL5A1-Related; EDS I; Ehlers-Danlos syndrome, type 1; EHLERS-DANLOS SYNDROME, GRAVIS TYPE; EHLERS-DANLOS SYNDROME, SEVERE CLASSIC TYPE. Identifiers: MedGen C0268335, MONDO:0019567, OMIM 130000.

Allele frequency attached by ClinVar (database versions not stated): ExAC 0.00001; TOPMed 0.00006.
gnomAD v4.1: 51 of 1,593,674 alleles (0.0032%); highest among the groups gnomAD compares: African/African-American, 0.004%; no homozygotes.

Submissions (2):

Labcorp Genetics (formerly Invitae), Labcorp
Classification: Likely benign for Ehlers-Danlos syndrome, classic type, 1. Last evaluated: 2025-11-08. Review status: criteria provided, single submitter. Criteria: Invitae Variant Classification Sherloc (09022015). Collection method: clinical testing. Allele origin: germline.

GeneDx
Classification: Likely benign. Last evaluated: 2017-12-19. Review status: criteria provided, single submitter. Criteria: GeneDx Variant Classification (06012015). Collection method: clinical testing. Allele origin: germline. Affected: yes.
Comment: This variant is considered likely benign or benign based on one or more of the following criteria: it is a conservative change, it occurs at a poorly conserved position in the protein, it is predicted to be benign by multiple in silico algorithms, and/or has population frequency not consistent with disease.